The following is an entry in ClinVar:

ClinVar aggregate classification (germline): Uncertain significance (1 of 4 stars; one submission).

Conditions:
Autoimmune lymphoproliferative syndrome, type III caused by mutation in PRKCD. Identifiers: Orphanet 3261, Orphanet 664711, MedGen C3809928, MONDO:8000024, OMIM 615559.

Submission:

Labcorp Genetics (formerly Invitae), Labcorp
Classification: Uncertain significance for Autoimmune lymphoproliferative syndrome, type III caused by mutation in PRKCD. Last evaluated: 2022-02-02. Review status: criteria provided, single submitter. Criteria: Invitae Variant Classification Sherloc (09022015). Collection method: clinical testing. Allele origin: germline.
Comment: In summary, the available evidence is currently insufficient to determine the role of this variant in disease. Therefore, it has been classified as a Variant of Uncertain Significance. Algorithms developed to predict the effect of missense changes on protein structure and function are either unavailable or do not agree on the potential impact of this missense change (SIFT: "Deleterious"; PolyPhen-2: "Probably Damaging"; Align-GVGD: "Class C0"). This variant has not been reported in the literature in individuals affected with PRKCD-related conditions. This variant is not present in population databases (gnomAD no frequency). This sequence change replaces phenylalanine, which is neutral and non-polar, with serine, which is neutral and polar, at codon 602 of the PRKCD protein (p.Phe602Ser).

NM_006254.4(PRKCD):c.1805T>C (p.Phe602Ser)

Gene: PRKCD (protein kinase C delta; plus strand). Cytogenetic location: 3p21.1.
Variant type: single nucleotide variant.
Coding change: c.1805T>C on transcript NM_006254.4 (MANE Select); coding-DNA position 1805, T replaced by C.
Protein change: p.Phe602Ser; replaces phenylalanine 602 with serine.
Molecular consequence: missense variant.
Genome position (GRCh38, 1-based): chr3:53,189,934, T>C. VCF-style: chr3-53189934-T-C. GRCh37 (hg19) VCF-style: chr3-53223950-T-C.
Other names: c.1805T>C, p.Phe602Ser (NM_001316327.2, NM_001354679.2, NM_001354680.2 and 1 more transcripts); c.1862T>C, p.Phe621Ser (NM_001354676.2); c.1853T>C, p.Phe618Ser (NM_001354678.2); short protein forms F618S, F621S, F602S.
Identifiers: ClinVar variation 2092174 (VCV002092174.4), dbSNP rs2471108344, ClinGen allele CA353224369.